The following is an entry in ClinVar:

ClinVar aggregate classification (germline): Pathogenic (1 of 4 stars; one submission).

Submission:

Labcorp Genetics (formerly Invitae), Labcorp
Classification: Pathogenic. Last evaluated: 2024-06-02. Review status: criteria provided, single submitter. Criteria: Invitae Variant Classification Sherloc (09022015). Collection method: clinical testing. Allele origin: germline.
Comment: This sequence change creates a premature translational stop signal (p.Glu37Aspfs*2) in the RMND1 gene. It is expected to result in an absent or disrupted protein product. Loss-of-function variants in RMND1 are known to be pathogenic (PMID: 27412952). This variant is not present in population databases (gnomAD no frequency). This variant has not been reported in the literature in individuals affected with RMND1-related conditions. For these reasons, this variant has been classified as Pathogenic.

Literature cited by the submitters: PubMed 27412952.

NM_017909.4(RMND1):c.111_129del (p.Glu37fs)

Gene: RMND1 (required for meiotic nuclear division 1 homolog; minus strand). Cytogenetic location: 6q25.1.
Variant type: Deletion.
Coding change: c.111_129del on transcript NM_017909.4 (MANE Select); coding-DNA positions 111 to 129, 19 bases deleted (AAATACAACATGCAGCACA).
Protein change: p.Glu37fs; shifts the reading frame from glutamic acid 37.
Molecular consequence: frameshift variant. On other transcripts: intron variant (1).
Genome position (GRCh38, 1-based): chr6:151,445,683-151,445,701, TGTGCTGCATGTTGTATTT deleted on the plus strand (AAATACAACATGCAGCACA on the coding strand, the reverse complement: RMND1 is on the minus strand); deleting any 19 consecutive bases within chr6:151,445,683-151,445,702 gives the same sequence; the c. name uses the placement nearest the transcript's 3' end. VCF-style (leftmost placement, unchanged base first): chr6-151445682-GTGTGCTGCATGTTGTATTT-G. GRCh37 (hg19) VCF-style: chr6-151766817-GTGTGCTGCATGTTGTATTT-G.
Other names: c.-7+6315_-7+6333del (NM_001271937.2); short protein forms E37fs.
Identifiers: ClinVar variation 3655326 (VCV003655326.2).